The following is an entry in ClinVar:

NM_002292.4(LAMB2):c.2698A>G (p.Thr900Ala)

Gene: LAMB2 (laminin subunit beta 2; minus strand). Cytogenetic location: 3p21.31.
Variant type: single nucleotide variant.
Coding change: c.2698A>G on transcript NM_002292.4 (MANE Select); coding-DNA position 2698, A replaced by G.
Protein change: p.Thr900Ala; replaces threonine 900 with alanine.
Molecular consequence: missense variant.
Genome position (GRCh38, 1-based): chr3:49,125,275, T>C on the plus strand (A>G on the coding strand, the complement: LAMB2 is on the minus strand). VCF-style: chr3-49125275-T-C. GRCh37 (hg19) VCF-style: chr3-49162708-T-C.
Other names: short protein forms T900A.
Identifiers: ClinVar variation 2058705 (VCV002058705.1), dbSNP rs2045400147, ClinGen allele CA352718058.
Genomic context (GRCh38, chr3:49,125,275, plus strand): 5'-CCCACCAACCAACCCACTCATAGCTGCTCCAGTCTCACCTTTCACAGTGCTCACCCCCTG[T>C]GTGATCACGGCAGCCCAGGCAAGCGCCTGTGTGGGTGTTGCACTCATCTGCATGCCCATT-3'
Protein context (NP_002283.3, residues 890-910): TGACLGCRDH[Thr900Ala]GGEHCERCIA

ClinVar aggregate classification (germline): Uncertain significance (1 of 4 stars; one submission).

Conditions:
Pierson syndrome. Also called: MICROCORIA-CONGENITAL NEPHROTIC SYNDROME. Identifiers: Orphanet 2670, MedGen C1836876, MONDO:0012184, OMIM 609049.
LAMB2-related infantile-onset nephrotic syndrome. Also called: NEPHROTIC SYNDROME, TYPE 5, WITHOUT OCULAR ABNORMALITIES; NEPHROTIC SYNDROME, TYPE 5, WITH OCULAR ABNORMALITIES; Nephrotic Syndrome, type 5. Identifiers: Orphanet 306507, MedGen C3280113, MONDO:0013621, OMIM 614199.

Allele frequency attached by ClinVar (database versions not stated): gnomAD 0.00001; TOPMed 0.00001; gnomAD exomes 0.00004.
gnomAD v4.1: 57 of 1,613,870 alleles (0.0035%); highest among the groups gnomAD compares: Non-Finnish European, 0.0045%; no homozygotes.

Submission:

Labcorp Genetics (formerly Invitae), Labcorp
Classification: Uncertain significance for LAMB2-related infantile-onset nephrotic syndrome; Pierson syndrome. Last evaluated: 2022-03-28. Review status: criteria provided, single submitter. Criteria: Invitae Variant Classification Sherloc (09022015). Collection method: clinical testing. Allele origin: germline.
Comment: This sequence change replaces threonine, which is neutral and polar, with alanine, which is neutral and non-polar, at codon 900 of the LAMB2 protein (p.Thr900Ala). This variant is not present in population databases (gnomAD no frequency). This variant has not been reported in the literature in individuals affected with LAMB2-related conditions. Algorithms developed to predict the effect of missense changes on protein structure and function are either unavailable or do not agree on the potential impact of this missense change (SIFT: "Deleterious"; PolyPhen-2: "Benign"; Align-GVGD: "Class C0"). In summary, the available evidence is currently insufficient to determine the role of this variant in disease. Therefore, it has been classified as a Variant of Uncertain Significance.